The following is an entry in ClinVar:

ClinVar aggregate classification (germline): Uncertain significance (1 of 4 stars; one submission).

Conditions:
Cardiomyopathy (CMYO). Also called: Cardiomyopathies. Identifiers: Orphanet 167848, MedGen C0878544, MONDO:0004994, HP:0001638. Inheritance: Various modes of inheritance.

Submission:

Color Diagnostics, LLC DBA Color Health
Classification: Uncertain significance for Cardiomyopathy. Last evaluated: 2024-03-07. Review status: criteria provided, single submitter. Criteria: ACMG Guidelines, 2015. Collection method: clinical testing. Allele origin: germline.
Comment: This missense variant replaces glutamic acid with aspartic acid at codon 1643 of the RYR2 protein. Computational prediction is inconclusive regarding the impact of this variant on protein structure and function (internally defined REVEL score threshold 0.5 < inconclusive < 0.7, PMID: 27666373). Splice site prediction tools suggest that this variant may not impact RNA splicing. To our knowledge, functional studies have not been performed for this variant. This variant has not been reported in individuals affected with cardiovascular disorders in the literature. This variant has not been identified in the general population by the Genome Aggregation Database (gnomAD). The available evidence is insufficient to determine the role of this variant in disease conclusively. Therefore, this variant is classified as a Variant of Uncertain Significance.

NM_001035.3(RYR2):c.4929G>T (p.Glu1643Asp)

Gene: RYR2 (ryanodine receptor 2; plus strand). Cytogenetic location: 1q43.
Variant type: single nucleotide variant.
Coding change: c.4929G>T on transcript NM_001035.3 (MANE Select); coding-DNA position 4929, G replaced by T.
Protein change: p.Glu1643Asp; replaces glutamic acid 1643 with aspartic acid.
Molecular consequence: missense variant.
Genome position (GRCh38, 1-based): chr1:237,614,057, G>T. VCF-style: chr1-237614057-G-T. GRCh37 (hg19) VCF-style: chr1-237777357-G-T.
Other names: short protein forms E1643D.
Identifiers: ClinVar variation 924523 (VCV000924523.4), dbSNP rs1573122061, ClinGen allele CA345403493.